The following is an entry in ClinVar:

NM_001099289.3(SH3RF3):c.419T>C (p.Ile140Thr)

Genes: RANBP2 (RAN binding protein 2; plus strand), SH3RF3 (SH3 domain containing ring finger 3; plus strand), SH3RF3-AS1 (SH3RF3 antisense RNA 1; minus strand). Cytogenetic location: 2q13.
Variant type: single nucleotide variant.
Coding change: c.419T>C on transcript NM_001099289.3 (MANE Select); coding-DNA position 419, T replaced by C.
Protein change: p.Ile140Thr; replaces isoleucine 140 with threonine.
Molecular consequence: missense variant. On other transcripts: non-coding transcript variant (1).
Genome position (GRCh38, 1-based): chr2:109,129,959, T>C. VCF-style: chr2-109129959-T-C. GRCh37 (hg19) VCF-style: chr2-109746415-T-C.
Other names: short protein forms I140T.
Identifiers: ClinVar variation 4583335 (VCV004583335.1).

ClinVar aggregate classification (germline): Uncertain significance (1 of 4 stars; one submission).

gnomAD v4.1: 1 of 1,429,530 alleles (0.00007%); highest among the groups gnomAD compares: South Asian, 0.0014%; no homozygotes.

Submission:

Ambry Genetics
Classification: Uncertain significance. Last evaluated: 2025-10-22. Review status: criteria provided, single submitter. Criteria: Ambry Variant Classification Scheme 2023. Collection method: clinical testing. Allele origin: germline.
Comment: The c.419T>C (p.I140T) alteration is located in exon (coding exon ) of the SH3RF3 gene. This alteration results from a T to C substitution at nucleotide position 419, causing the isoleucine (I) at amino acid position 140 to be replaced by a threonine (T). Based on insufficient or conflicting evidence, the clinical significance of this alteration remains unclear.